The following is an entry in ClinVar:

ClinVar aggregate classification (germline): Uncertain significance. Review status: criteria provided, multiple submitters, no conflicts (2 of 4 stars). 2 submissions from 2 submitters: Uncertain significance (2). Last evaluated 2025-07-17.

Conditions:
Familial hypercholesterolemia. Also called: Familial hypercholesterolemias; Familial hypercholesterolaemia. Identifiers: MedGen C0020445, MONDO:0005439.
Hypercholesterolemia, autosomal dominant, 3 (FHCL3). Also called: Familial Hypercholesterolemia, Autosomal Dominant, 3; PCSK9-Related Familial Hypercholesterolemia, Autosomal Dominant; Familial hypercholesterolemia 3. Identifiers: MedGen C1863551, MONDO:0011369, OMIM 603776.

Submissions (2):

Color Diagnostics, LLC DBA Color Health
Classification: Uncertain significance for Familial hypercholesterolemia. Last evaluated: 2025-07-17. Review status: criteria provided, single submitter. Criteria: ACMG Guidelines, 2015. Collection method: clinical testing. Allele origin: germline.
Comment: This missense variant replaces threonine with asparagine at codon 214 of the PCSK9 protein. Computational prediction suggests that this variant may not impact protein structure and function. To our knowledge, functional studies have not been reported for this variant. This variant has not been reported in individuals affected with PCSK9-related disorders in the literature. This variant has not been identified in the general population by the Genome Aggregation Database (gnomAD). The available evidence is insufficient to determine the role of this variant in disease conclusively. Therefore, this variant is classified as a Variant of Uncertain Significance.

All of Us Research Program, National Institutes of Health
Classification: Uncertain significance for Hypercholesterolemia, autosomal dominant, 3. Last evaluated: 2024-01-11. Review status: criteria provided, single submitter. Criteria: ACMG Guidelines, 2015. Collection method: clinical testing. Allele origin: germline. Inheritance: Autosomal dominant inheritance. Observed: 1 variant allele, 1 heterozygote.
Comment: This study involves interpretation of variants in research participants for the purpose of population health screening. Participant phenotype was not available at the time of variant classification. Additional details can be found in publication PMID: 35346344, PMCID: PMC8962531

NM_174936.4(PCSK9):c.641C>A (p.Thr214Asn)

Gene: PCSK9 (proprotein convertase subtilisin/kexin type 9; plus strand). Cytogenetic location: 1p32.3.
Variant type: single nucleotide variant.
Coding change: c.641C>A on transcript NM_174936.4 (MANE Select); coding-DNA position 641, C replaced by A.
Protein change: p.Thr214Asn; replaces threonine 214 with asparagine.
Molecular consequence: missense variant. On other transcripts: non-coding transcript variant (8).
Genome position (GRCh38, 1-based): chr1:55,052,395, C>A. VCF-style: chr1-55052395-C-A. GRCh37 (hg19) VCF-style: chr1-55518068-C-A.
Other names: c.764C>A, p.Thr255Asn (NM_001407240.1); c.641C>A, p.Thr214Asn (NM_001407241.1, NM_001407242.1, NM_001407244.1 and 1 more transcripts); c.584C>A, p.Thr195Asn (NM_001407243.1); c.449C>A, p.Thr150Asn (NM_001407245.1); c.266C>A, p.Thr89Asn (NM_001407246.1); short protein forms T150N, T195N, T214N, T255N, T89N.
Identifiers: ClinVar variation 3074993 (VCV003074993.2), dbSNP rs2523224871, ClinGen allele CA340473600.